The following is an entry in ClinVar:

NM_005359.6(SMAD4):c.847C>T (p.His283Tyr)

Gene: SMAD4 (SMAD family member 4; plus strand). Cytogenetic location: 18q21.2.
Variant type: single nucleotide variant.
Coding change: c.847C>T on transcript NM_005359.6 (MANE Select); coding-DNA position 847, C replaced by T.
Protein change: p.His283Tyr; replaces histidine 283 with tyrosine.
Molecular consequence: missense variant.
Genome position (GRCh38, 1-based): chr18:51,058,399, C>T. VCF-style: chr18-51058399-C-T. GRCh37 (hg19) VCF-style: chr18-48584769-C-T.
Other names: c.847C>T, p.His283Tyr (NM_001407041.1, NM_001407042.1, NM_001407043.1); short protein forms H283Y.
Identifiers: ClinVar variation 2155233 (VCV002155233.2), dbSNP rs2144428957, ClinGen allele CA402463497.

ClinVar aggregate classification (germline): Uncertain significance. Review status: criteria provided, multiple submitters, no conflicts (2 of 4 stars). 2 submissions from 2 submitters: Uncertain significance (2). Last evaluated 2026-05-04.

Conditions:
Hereditary cancer-predisposing syndrome. Also called: Tumor predisposition; Hereditary Cancer Syndrome; Hereditary neoplastic syndrome; Neoplastic Syndromes, Hereditary. Identifiers: Orphanet 140162, MedGen C0027672, MeSH D009386, MONDO:0015356.
Familial thoracic aortic aneurysm and aortic dissection (TAAD). Also called: Thoracic aortic aneurysms and dissections. Identifiers: Orphanet 91387, MedGen C4707243, MONDO:0019625.
Juvenile polyposis syndrome (JPS). Identifiers: Orphanet 2929, MedGen C0345893, MONDO:0017380, OMIM 174900.

Submissions (2):

Ambry Genetics
Classification: Uncertain significance for Hereditary cancer-predisposing syndrome; Familial thoracic aortic aneurysm and aortic dissection. Last evaluated: 2026-05-04. Review status: criteria provided, single submitter. Criteria: Ambry Variant Classification Scheme 2023. Collection method: clinical testing. Allele origin: germline.
Comment: The p.H283Y variant (also known as c.847C>T), located in coding exon 6 of the SMAD4 gene, results from a C to T substitution at nucleotide position 847. The histidine at codon 283 is replaced by tyrosine, an amino acid with similar properties. This amino acid position is conserved. In addition, the in silico prediction for this alteration is inconclusive. Based on the available evidence, the clinical significance of this variant remains unclear.

Labcorp Genetics (formerly Invitae), Labcorp
Classification: Uncertain significance for Juvenile polyposis syndrome. Last evaluated: 2021-08-14. Review status: criteria provided, single submitter. Criteria: Invitae Variant Classification Sherloc (09022015). Collection method: clinical testing. Allele origin: germline.
Comment: This sequence change replaces histidine with tyrosine at codon 283 of the SMAD4 protein (p.His283Tyr). The histidine residue is highly conserved and there is a moderate physicochemical difference between histidine and tyrosine. This variant is not present in population databases (ExAC no frequency). This variant has not been reported in the literature in individuals affected with SMAD4-related conditions. Advanced modeling of protein sequence and biophysical properties (such as structural, functional, and spatial information, amino acid conservation, physicochemical variation, residue mobility, and thermodynamic stability) performed at Invitae indicates that this missense variant is not expected to disrupt SMAD4 protein function. In summary, the available evidence is currently insufficient to determine the role of this variant in disease. Therefore, it has been classified as a Variant of Uncertain Significance.